The following is an entry in ClinVar:

ClinVar aggregate classification (germline): Uncertain significance (1 of 4 stars; one submission).

Conditions:
Hereditary sensory and autonomic neuropathy type 7. Also called: Neuropathy, hereditary sensory and autonomic, type VII; HSAN VII. Identifiers: Orphanet 391397, MedGen C3809882, MONDO:0014244, OMIM 615548.
Familial episodic pain syndrome with predominantly lower limb involvement. Also called: Episodic pain syndrome, familial, 3. Identifiers: Orphanet 391384, Orphanet 391392, MedGen C3809899, MONDO:0014247, OMIM 615552.

Submission:

Labcorp Genetics (formerly Invitae), Labcorp
Classification: Uncertain significance for Familial episodic pain syndrome with predominantly lower limb involvement; Hereditary sensory and autonomic neuropathy type 7. Last evaluated: 2017-11-04. Review status: criteria provided, single submitter. Criteria: Invitae Variant Classification Sherloc (09022015). Collection method: clinical testing. Allele origin: germline.
Comment: This sequence change affects codon 297 of the SCN11A mRNA. It is a 'silent' change, meaning that it does not change the encoded amino acid sequence of the SCN11A protein. This variant is not present in population databases (ExAC no frequency). This variant has not been reported in the literature in individuals with SCN11A-related disease. Algorithms developed to predict the effect of sequence changes on RNA splicing suggest that this variant is not likely to affect RNA splicing, but this prediction has not been confirmed by published transcriptional studies. In summary, the available evidence is currently insufficient to determine the role of this variant in disease. Therefore, it has been classified as a Variant of Uncertain Significance.

NM_001349253.2(SCN11A):c.891T>C (p.Tyr297=)

Gene: SCN11A (sodium voltage-gated channel alpha subunit 11; minus strand). Cytogenetic location: 3p22.2.
Variant type: single nucleotide variant.
Coding change: c.891T>C on transcript NM_001349253.2 (MANE Select); coding-DNA position 891, T replaced by C.
Protein change: p.Tyr297=; no amino-acid change (tyrosine 297 retained).
Molecular consequence: synonymous variant.
Genome position (GRCh38, 1-based): chr3:38,921,077, A>G on the plus strand (T>C on the coding strand, the complement: SCN11A is on the minus strand). VCF-style: chr3-38921077-A-G. GRCh37 (hg19) VCF-style: chr3-38962568-A-G.
Other names: c.891T>C, p.Tyr297= (NM_014139.3).
Identifiers: ClinVar variation 541575 (VCV000541575.5), dbSNP rs1553640799, ClinGen allele CA433142072.